The following is an entry in ClinVar:

NM_000440.3(PDE6A):c.794C>G (p.Thr265Arg)

Gene: PDE6A (phosphodiesterase 6A; minus strand). Cytogenetic location: 5q32.
Variant type: single nucleotide variant.
Coding change: c.794C>G on transcript NM_000440.3 (MANE Select); coding-DNA position 794, C replaced by G.
Protein change: p.Thr265Arg; replaces threonine 265 with arginine.
Molecular consequence: missense variant.
Genome position (GRCh38, 1-based): chr5:149,931,092, G>C on the plus strand (C>G on the coding strand, the complement: PDE6A is on the minus strand). VCF-style: chr5-149931092-G-C. GRCh37 (hg19) VCF-style: chr5-149310655-G-C.
Other names: short protein forms T265R.
Identifiers: ClinVar variation 1376899 (VCV001376899.6), dbSNP rs1754021307, ClinGen allele CA361696512.

ClinVar aggregate classification (germline): Uncertain significance (1 of 4 stars; one submission).

Allele frequency attached by ClinVar (database versions not stated): gnomAD exomes below 0.00001; TOPMed below 0.00001.
gnomAD v4.1: 1 of 1,613,936 alleles (0.000062%); highest among the groups gnomAD compares: Non-Finnish European, 0.000085%; no homozygotes.

Submission:

Labcorp Genetics (formerly Invitae), Labcorp
Classification: Uncertain significance. Last evaluated: 2024-05-06. Review status: criteria provided, single submitter. Criteria: Invitae Variant Classification Sherloc (09022015). Collection method: clinical testing. Allele origin: germline.
Comment: This sequence change replaces threonine, which is neutral and polar, with arginine, which is basic and polar, at codon 265 of the PDE6A protein (p.Thr265Arg). This variant is not present in population databases (gnomAD no frequency). This variant has not been reported in the literature in individuals affected with PDE6A-related conditions. ClinVar contains an entry for this variant (Variation ID: 1376899). Advanced modeling of protein sequence and biophysical properties (such as structural, functional, and spatial information, amino acid conservation, physicochemical variation, residue mobility, and thermodynamic stability) has been performed at Invitae for this missense variant, however the output from this modeling did not meet the statistical confidence thresholds required to predict the impact of this variant on PDE6A protein function. In summary, the available evidence is currently insufficient to determine the role of this variant in disease. Therefore, it has been classified as a Variant of Uncertain Significance.